The following is an entry in ClinVar:

NM_213595.4(ISCU):c.*14G>A

Gene: ISCU (iron-sulfur cluster assembly enzyme; plus strand). Cytogenetic location: 12q23.3.
Variant type: single nucleotide variant.
Coding change: c.*14G>A on transcript NM_213595.4 (MANE Select); 14 bases downstream of the stop codon, G replaced by A.
Molecular consequence: 3 prime UTR variant. On other transcripts: non-coding transcript variant (1).
Genome position (GRCh38, 1-based): chr12:108,568,930, G>A. VCF-style: chr12-108568930-G-A. GRCh37 (hg19) VCF-style: chr12-108962706-G-A.
Other names: c.*139G>A (NM_001301140.1); c.*144G>A (NM_001301141.1); c.*1226G>A (NM_001320042.1); c.*14G>A (NM_014301.4).
Identifiers: ClinVar variation 212779 (VCV000212779.2), dbSNP rs199557747, ClinGen allele CA291253.

ClinVar aggregate classification (germline): Benign (1 of 4 stars; one submission).

Allele frequency attached by ClinVar (database versions not stated): gnomAD 0.00012 and 0.00013; 1000 Genomes Project 0.00020; gnomAD exomes 0.00022 and 0.00116; 1000 Genomes Project 30x 0.00031; TOPMed 0.00050; ExAC 0.00120.
gnomAD v4.1: 327 of 1,602,808 alleles (0.02%); highest among the groups gnomAD compares: Admixed American, 0.5%; no homozygotes.

Submission:

GeneDx
Classification: Benign. Last evaluated: 2014-06-02. Review status: criteria provided, single submitter. Criteria: GeneDx Variant Classification (06012015). Collection method: clinical testing. Allele origin: germline. Affected: yes.
Comment: This variant is considered likely benign or benign based on one or more of the following criteria: it is a conservative change, it occurs at a poorly conserved position in the protein, it is predicted to be benign by multiple in silico algorithms, and/or has population frequency not consistent with disease.